The following is an entry in ClinVar:

NM_004260.4(RECQL4):c.2872G>C (p.Ala958Pro)

Gene: RECQL4 (RecQ like helicase 4; minus strand). Cytogenetic location: 8q24.3.
Variant type: single nucleotide variant.
Coding change: c.2872G>C on transcript NM_004260.4 (MANE Select); coding-DNA position 2872, G replaced by C.
Protein change: p.Ala958Pro; replaces alanine 958 with proline.
Molecular consequence: missense variant.
Genome position (GRCh38, 1-based): chr8:144,512,655, C>G on the plus strand (G>C on the coding strand, the complement: RECQL4 is on the minus strand). VCF-style: chr8-144512655-C-G. GRCh37 (hg19) VCF-style: chr8-145738038-C-G.
Other names: c.2872G>C (NM_004260.3); short protein forms A958P.
Identifiers: ClinVar variation 1477600 (VCV001477600.7), dbSNP rs1564791450, ClinGen allele CA372673873.
Genomic context (GRCh38, chr8:144,512,655, plus strand): 5'-AGCCCTGATTCTCCAACCTCGTCTCCAACTGGGCAGGGCGTGCTTACCTGTGGGCCAGGG[C>G]CTGGAGCTGGGCAGGGCCCCCAGGGCAGTTCAGACGGCAATGGGTATAGGTGGTCGCCAG-3'
Protein context (NP_004251.4, residues 948-968): NCPGGPAQLQ[Ala958Pro]LAHRCPPLAV

ClinVar aggregate classification (germline): Uncertain significance. Review status: criteria provided, multiple submitters, no conflicts (2 of 4 stars). 2 submissions from 2 submitters: Uncertain significance (2). Last evaluated 2025-05-23.

Conditions:
Baller-Gerold syndrome (BGS). Also called: CRANIOSYNOSTOSIS WITH RADIAL DEFECTS. Identifiers: Orphanet 1225, MedGen C0265308, MONDO:0009039, OMIM 218600.
Inborn genetic diseases. Identifiers: MedGen C0950123, MeSH D030342.

Submissions (2):

Ambry Genetics
Classification: Uncertain significance for Inborn genetic diseases. Last evaluated: 2025-05-23. Review status: criteria provided, single submitter. Criteria: Ambry Variant Classification Scheme 2023. Collection method: clinical testing. Allele origin: germline.
Comment: The p.A958P variant (also known as c.2872G>C), located in coding exon 16 of the RECQL4 gene, results from a G to C substitution at nucleotide position 2872. The alanine at codon 958 is replaced by proline, an amino acid with highly similar properties. This amino acid position is conserved. In addition, this alteration is predicted to be tolerated by in silico analysis. Based on the available evidence, the clinical significance of this variant remains unclear.

Labcorp Genetics (formerly Invitae), Labcorp
Classification: Uncertain significance for Baller-Gerold syndrome. Last evaluated: 2021-04-14. Review status: criteria provided, single submitter. Criteria: Invitae Variant Classification Sherloc (09022015). Collection method: clinical testing. Allele origin: germline.
Comment: In summary, the available evidence is currently insufficient to determine the role of this variant in disease. Therefore, it has been classified as a Variant of Uncertain Significance. Experimental studies and prediction algorithms are not available or were not evaluated, and the functional significance of this variant is currently unknown. This variant has not been reported in the literature in individuals with RECQL4-related conditions. This variant is not present in population databases (ExAC no frequency). This sequence change replaces alanine with proline at codon 958 of the RECQL4 protein (p.Ala958Pro). The alanine residue is highly conserved and there is a small physicochemical difference between alanine and proline.